The following is an entry in ClinVar:

ClinVar aggregate classification (germline): Uncertain significance (0 of 4 stars; one submission).

Conditions:
NCOA1-related disorder. Also called: NCOA1-related condition.

gnomAD v4.1: 17 of 1,614,142 alleles (0.0011%); highest among the groups gnomAD compares: East Asian, 0.02%; no homozygotes.

Submission:

PreventionGenetics, part of Exact Sciences
Classification: Uncertain significance for NCOA1-related condition. Last evaluated: 2024-01-12. Review status: no assertion criteria provided. Collection method: clinical testing. Allele origin: germline.
Comment: The NCOA1 c.1258C>T variant is predicted to result in the amino acid substitution p.Arg420Cys. To our knowledge, this variant has not been reported in the literature. This variant is reported in 0.0033% of alleles in individuals of South Asian descent in gnomAD. At this time, the clinical significance of this variant is uncertain due to the absence of conclusive functional and genetic evidence.

NM_003743.5(NCOA1):c.1258C>T (p.Arg420Cys)

Gene: NCOA1 (nuclear receptor coactivator 1; plus strand). Cytogenetic location: 2p23.3.
Variant type: single nucleotide variant.
Coding change: c.1258C>T on transcript NM_003743.5 (MANE Select); coding-DNA position 1258, C replaced by T.
Protein change: p.Arg420Cys; replaces arginine 420 with cysteine.
Molecular consequence: missense variant.
Genome position (GRCh38, 1-based): chr2:24,706,728, C>T. VCF-style: chr2-24706728-C-T. GRCh37 (hg19) VCF-style: chr2-24929597-C-T.
Other names: c.1258C>T, p.Arg420Cys (NM_001362950.1, NM_001362952.1, NM_001362954.1 and 3 more transcripts); short protein forms R420C.
Identifiers: ClinVar variation 3350567 (VCV003350567.1).